The following is an entry in ClinVar:

ClinVar aggregate classification (germline): Uncertain significance (1 of 4 stars; one submission).

Conditions:
Nemaline myopathy 2 (NEM2). Also called: Nemaline myopathy 2, autosomal recessive. Identifiers: MedGen C1850569, MONDO:0009725, OMIM 256030.

Allele frequency attached by ClinVar (database versions not stated): gnomAD exomes below 0.00001; TOPMed below 0.00001; gnomAD 0.00001.

Submission:

Labcorp Genetics (formerly Invitae), Labcorp
Classification: Uncertain significance for Nemaline myopathy 2. Last evaluated: 2021-09-29. Review status: criteria provided, single submitter. Criteria: Invitae Variant Classification Sherloc (09022015). Collection method: clinical testing. Allele origin: germline.
Comment: This sequence change replaces isoleucine with threonine at codon 3297 of the NEB protein (p.Ile3297Thr). The isoleucine residue is moderately conserved and there is a moderate physicochemical difference between isoleucine and threonine. This variant is not present in population databases (ExAC no frequency). This variant has not been reported in the literature in individuals affected with NEB-related conditions. Algorithms developed to predict the effect of missense changes on protein structure and function are either unavailable or do not agree on the potential impact of this missense change (SIFT: "Deleterious"; PolyPhen-2: "Not Available"; Align-GVGD: "Class C0"). In summary, the available evidence is currently insufficient to determine the role of this variant in disease. Therefore, it has been classified as a Variant of Uncertain Significance.

NM_001164508.2(NEB):c.9890T>C (p.Ile3297Thr)

Gene: NEB (nebulin; minus strand). Cytogenetic location: 2q23.3.
Variant type: single nucleotide variant.
Coding change: c.9890T>C on transcript NM_001164508.2 (MANE Select); coding-DNA position 9890, T replaced by C.
Protein change: p.Ile3297Thr; replaces isoleucine 3297 with threonine.
Molecular consequence: missense variant.
Genome position (GRCh38, 1-based): chr2:151,627,776, A>G on the plus strand (T>C on the coding strand, the complement: NEB is on the minus strand). VCF-style: chr2-151627776-A-G. GRCh37 (hg19) VCF-style: chr2-152484290-A-G.
Other names: c.9890T>C, p.Ile3297Thr (NM_001164507.2, NM_001271208.2); c.9161T>C, p.Ile3054Thr (NM_004543.5); short protein forms I3054T, I3297T.
Identifiers: ClinVar variation 1450817 (VCV001450817.1), dbSNP rs1323917769, ClinGen allele CA348796103.